The following is an entry in ClinVar:

ClinVar aggregate classification (germline): Pathogenic. Review status: criteria provided, multiple submitters, no conflicts (2 of 4 stars). 3 submissions from 3 submitters: Pathogenic (3). Last evaluated 2024-02-01.

Conditions:
Koolen-de Vries syndrome (KDVS). Identifiers: Orphanet 96169, MedGen C1864871, MONDO:0012496, OMIM 610443.

Submissions (3):

CeGaT Center for Human Genetics Tuebingen
Classification: Pathogenic. Last evaluated: 2024-02-01. Review status: criteria provided, single submitter. Criteria: CeGaT Center For Human Genetics Tuebingen Variant Classification Criteria Version 2. Collection method: clinical testing. Allele origin: germline. Affected: yes. Observed: 1 variant allele.
Comment: KANSL1: PVS1, PM2

GeneDx
Classification: Pathogenic. Last evaluated: 2023-02-15. Review status: criteria provided, single submitter. Criteria: GeneDx Variant Classification Process June 2021. Collection method: clinical testing. Allele origin: germline. Affected: yes.
Comment: Frameshift variant predicted to result in protein truncation or nonsense mediated decay in a gene for which loss of function is a known mechanism of disease; Not observed at significant frequency in large population cohorts (gnomAD); Has not been previously published as pathogenic or benign to our knowledge

Victorian Clinical Genetics Services, Murdoch Childrens Research Institute
Classification: Pathogenic for Koolen-de Vries syndrome. Last evaluated: 2022-02-02. Review status: criteria provided, single submitter. Criteria: ACMG Guidelines, 2015. Collection method: clinical testing. Allele origin: germline. Inheritance: Autosomal dominant inheritance. Affected: yes.
Comment: Based on the classification scheme VCGS_Germline_v1.3.4, this variant is classified as Pathogenic. Following criteria are met: 0102 - Loss of function is a known mechanism of disease in this gene and is associated with Koolen-De Vries syndrome (MIM#610443). (I) 0107 - This gene is associated with autosomal dominant disease. (I) 0201 - Variant is predicted to cause nonsense-mediated decay (NMD) and loss of protein (premature termination codon is located at least 54 nucleotides upstream of the final exon-exon junction). (SP) 0251 - This variant is heterozygous. (I) 0301 - Variant is absent from gnomAD (both v2 and v3). (SP) 0701 - Other NMD predicted variants comparable to the one identified in this case have very strong previous evidence for pathogenicity (DECIPHER). (SP) 0803 - This variant has limited previous evidence of pathogenicity in an unrelated individual. This variant has been observed in one individual by a clinical laboratory in ClinVar. (SP) 0905 - No published segregation evidence has been identified for this variant. (I) 1007 - No published functional evidence has been identified for this variant. (SP) Legend: (SP) - Supporting pathogenic, (I) - Information, (SB) - Supporting benign

NM_015443.4(KANSL1):c.779del (p.Gly260fs)

Gene: KANSL1 (KAT8 regulatory NSL complex subunit 1). Cytogenetic location: 17q21.31.
Variant type: Deletion.
Coding change: c.779del on transcript NM_015443.4 (MANE Select); coding-DNA position 779, one base deleted.
Protein change: p.Gly260fs; shifts the reading frame from glycine 260.
Molecular consequence: frameshift variant.
Genome position: GRCh38 VCF-style: chr17-46171364-AC-A. GRCh37 (hg19) VCF-style: chr17-44248730-AC-A.
Other names: c.779delG (NM_001193466.1); c.779del (NM_001193466.1); c.779del, p.Gly260fs (NM_001193465.2, NM_001193466.2, NM_001379198.1); short protein forms G260fs.
Identifiers: ClinVar variation 545909 (VCV000545909.26), dbSNP rs748018297, ClinGen allele CA500644339.